The following is an entry in ClinVar:

ClinVar aggregate classification (germline): Pathogenic (1 of 4 stars; one submission).

Conditions:
Congenital factor V deficiency. Also called: PARAHEMOPHILIA; Hereditary factor V deficiency disease; LABILE FACTOR DEFICIENCY; OWREN PARAHEMOPHILIA. Identifiers: Orphanet 326, MedGen C0015499, MONDO:0009210, OMIM 227400.

Submission:

Women's Health and Genetics/Laboratory Corporation of America, LabCorp
Classification: Pathogenic for Congenital factor V deficiency. Last evaluated: 2026-06-09. Review status: criteria provided, single submitter. Criteria: LabCorp Variant Classification Summary - May 2015. Collection method: clinical testing. Allele origin: germline.
Comment: Variant summary: The variant involves the deletion of exons 1-16 in the F5 gene. A presumed nomenclature of c.(?_-96)_(5419+1_5420-1)del has been designated for the purposes of this classification. The exact breakpoint at the 5' end of this variant is unknown, therefore this deletion may extend upstream of the annotated region of this gene. Although the exact breakpoints of this deletion are not known, it is predicted to remove the initiation codon and result in an absence of protein or a truncation of the encoded protein due to translation initiation at a downstream site. Loss-of-function variants in this gene are known to be pathogenic. The variant was absent in 21694 control chromosomes in the gnomAD database (Structural Variants v2.1 dataset). To our knowledge, no occurrence of c.(?_-96)_(5419+1_5420-1)del in individuals affected with F5-related conditions and no experimental evidence demonstrating its impact on protein function have been reported. No submitters have cited clinical-significance assessments for this variant to ClinVar. Based on the evidence outlined above, the variant was classified as pathogenic.

NC_000001.10:g.(169497333_169498845)_(169555720_?)del

Gene: F5 (coagulation factor V; minus strand). Cytogenetic location: 1q24.2.
Variant type: Deletion.
Identifiers: ClinVar variation 4887406 (VCV004887406.1).